The following is an entry in ClinVar:

ClinVar aggregate classification (germline): Uncertain significance (1 of 4 stars; one submission).

Allele frequency attached by ClinVar (database versions not stated): ExAC 0.00001; gnomAD 0.00001; TOPMed 0.00001.
gnomAD v4.1: 2 of 1,598,734 alleles (0.00013%); highest among the groups gnomAD compares: African/African-American, 0.0027%; no homozygotes.

Submission:

Labcorp Genetics (formerly Invitae), Labcorp
Classification: Uncertain significance. Last evaluated: 2021-11-30. Review status: criteria provided, single submitter. Criteria: Invitae Variant Classification Sherloc (09022015). Collection method: clinical testing. Allele origin: germline.
Comment: This sequence change replaces arginine, which is basic and polar, with threonine, which is neutral and polar, at codon 166 of the SLC22A4 protein (p.Arg166Thr). This variant also falls at the last nucleotide of exon 2, which is part of the consensus splice site for this exon. This variant is present in population databases (rs773811534, gnomAD 0.007%). This variant has not been reported in the literature in individuals affected with SLC22A4-related conditions. Algorithms developed to predict the effect of missense changes on protein structure and function are either unavailable or do not agree on the potential impact of this missense change (SIFT: "Tolerated"; PolyPhen-2: "Probably Damaging"; Align-GVGD: "Class C0"). Variants that disrupt the consensus splice site are a relatively common cause of aberrant splicing (PMID: 17576681, 9536098). Algorithms developed to predict the effect of sequence changes on RNA splicing suggest that this variant may disrupt the consensus splice site. In summary, the available evidence is currently insufficient to determine the role of this variant in disease. Therefore, it has been classified as a Variant of Uncertain Significance.

Literature cited by the submitters: PubMed 17576681; PubMed 9536098.

NM_003059.3(SLC22A4):c.497G>C (p.Arg166Thr)

Genes: MIR3936HG (MIR3936 host gene; minus strand), SLC22A4 (solute carrier family 22 member 4; plus strand). Cytogenetic location: 5q31.1.
Variant type: single nucleotide variant.
Coding change: c.497G>C on transcript NM_003059.3 (MANE Select); coding-DNA position 497, G replaced by C.
Protein change: p.Arg166Thr; replaces arginine 166 with threonine.
Molecular consequence: missense variant.
Genome position (GRCh38, 1-based): chr5:132,312,264, G>C. VCF-style: chr5-132312264-G-C. GRCh37 (hg19) VCF-style: chr5-131647957-G-C.
Other names: short protein forms R166T.
Identifiers: ClinVar variation 2020477 (VCV002020477.4), dbSNP rs773811534, ClinGen allele CA3403412.
Genomic context (GRCh38, chr5:132,312,264, plus strand): 5'-CCTCCCTGTTCTTCGTAGGCGTGCTCCTCGGCTCCTTCGTGTCCGGGCAGCTGTCAGACA[G>C]GTAAGCACATGGGAGGGGAGGAAGGTGGGATGGTGCCCCTTGTCAATCACTGCCTATCTT-3'
Protein context (NP_003050.2, residues 156-176): GSFVSGQLSD[Arg166Thr]FGRKNVLFAT